The following is an entry in ClinVar:

NM_014804.3(KIAA0753):c.1323T>A (p.Tyr441Ter)

Gene: KIAA0753 (KIAA0753; minus strand). Cytogenetic location: 17p13.1.
Variant type: single nucleotide variant.
Coding change: c.1323T>A on transcript NM_014804.3 (MANE Select); coding-DNA position 1323, T replaced by A.
Protein change: p.Tyr441Ter; replaces tyrosine 441 with a stop codon.
Molecular consequence: nonsense.
Genome position (GRCh38, 1-based): chr17:6,612,141, A>T on the plus strand (T>A on the coding strand, the complement: KIAA0753 is on the minus strand). VCF-style: chr17-6612141-A-T. GRCh37 (hg19) VCF-style: chr17-6515461-A-T.
Other names: c.426T>A, p.Tyr142Ter (NM_001351225.2); short protein forms Y441*, Y142*.
Identifiers: ClinVar variation 598087 (VCV000598087.10), dbSNP rs780010794, ClinGen allele CA8330512.

ClinVar aggregate classification (germline): Pathogenic/Likely pathogenic. Review status: criteria provided, multiple submitters, no conflicts (2 of 4 stars). 3 submissions from 3 submitters: Pathogenic (2); Likely pathogenic (1). Last evaluated 2023-07-17.

Conditions:
KIAA0753-related disorder.

Allele frequency attached by ClinVar (database versions not stated): gnomAD exomes below 0.00001; ExAC 0.00001; TOPMed 0.00001.
gnomAD v4.1: 4 of 1,600,962 alleles (0.00025%); highest among the groups gnomAD compares: Non-Finnish European, 0.00034%; no homozygotes.

Submissions (3):

Labcorp Genetics (formerly Invitae), Labcorp
Classification: Pathogenic. Last evaluated: 2023-07-17. Review status: criteria provided, single submitter. Criteria: Invitae Variant Classification Sherloc (09022015). Collection method: clinical testing. Allele origin: germline.
Comment: For these reasons, this variant has been classified as Pathogenic. ClinVar contains an entry for this variant (Variation ID: 598087). This variant has not been reported in the literature in individuals affected with KIAA0753-related conditions. This variant is present in population databases (rs780010794, gnomAD 0.0009%). This sequence change creates a premature translational stop signal (p.Tyr441*) in the KIAA0753 gene. It is expected to result in an absent or disrupted protein product. Loss-of-function variants in KIAA0753 are known to be pathogenic (PMID: 29138412).

Blueprint Genetics
Classification: Likely pathogenic for KIAA0753-related disorders. Last evaluated: 2022-08-04. Review status: criteria provided, single submitter. Criteria: ACMG Guidelines, 2015. Collection method: clinical testing. Allele origin: germline. Affected: yes. Observed: 2 variant alleles.

Eurofins Ntd Llc (ga)
Classification: Pathogenic. Last evaluated: 2018-07-19. Review status: criteria provided, single submitter. Criteria: EGL ClinVar v180209 classification definitions. Collection method: clinical testing. Allele origin: germline. Observed: 1 variant allele, 1 heterozygote.

Literature cited by the submitters: PubMed 29138412 (cited by Labcorp Genetics (formerly Invitae), Labcorp).